The following is an entry in ClinVar:

ClinVar aggregate classification (germline): Benign/Likely benign. Review status: criteria provided, multiple submitters, no conflicts (2 of 4 stars). 2 submissions from 2 submitters: Benign (1); Likely benign (1). Last evaluated 2025-05-16.

Conditions:
Familial cancer of breast. Also called: Hereditary breast cancer; hereditary breast carcinoma; BREAST CANCER, FAMILIAL. Identifiers: Orphanet 227535, MedGen C0346153, MONDO:0016419, OMIM 114480. Disease mechanism: loss of function.
Hereditary cancer-predisposing syndrome. Also called: Hereditary Cancer Syndrome; Hereditary neoplastic syndrome; Neoplastic Syndromes, Hereditary; Tumor predisposition. Identifiers: Orphanet 140162, MedGen C0027672, MeSH D009386, MONDO:0015356.

Submissions (2):

Ambry Genetics
Classification: Likely benign for Hereditary cancer-predisposing syndrome. Last evaluated: 2025-05-16. Review status: criteria provided, single submitter. Criteria: Ambry Variant Classification Scheme 2023. Collection method: clinical testing. Allele origin: germline.

Myriad Genetics, Inc.
Classification: Benign for Familial cancer of breast. Last evaluated: 2025-01-16. Review status: criteria provided, single submitter. Criteria: Myriad Autosomal Dominant, Autosomal Recessive and X-Linked Classification Criteria (2023). Collection method: clinical testing. Allele origin: unknown.
Comment: This variant is considered benign. This variant is a silent/synonymous amino acid change and it is not expected to impact splicing.

NM_024675.4(PALB2):c.2439T>C (p.Ile813=)

Gene: PALB2 (partner and localizer of BRCA2; minus strand). Cytogenetic location: 16p12.2.
Variant type: single nucleotide variant.
Coding change: c.2439T>C on transcript NM_024675.4 (MANE Select); coding-DNA position 2439, T replaced by C.
Protein change: p.Ile813=; no amino-acid change (isoleucine 813 retained).
Molecular consequence: synonymous variant. On other transcripts: intron variant (1).
Genome position (GRCh38, 1-based): chr16:23,629,715, A>G on the plus strand (T>C on the coding strand, the complement: PALB2 is on the minus strand). VCF-style: chr16-23629715-A-G. GRCh37 (hg19) VCF-style: chr16-23641036-A-G.
Other names: c.2379T>C, p.Ile793= (NM_001407296.1); c.2439T>C, p.Ile813= (NM_001407297.1, NM_001407298.1, NM_001407299.1 and 3 more transcripts); c.1554T>C, p.Ile518= (NM_001407304.1, NM_001407305.1, NM_001407306.1 and 5 more transcripts); c.651T>C, p.Ile217= (NM_001407312.1, NM_001407313.1); c.49-440T>C (NM_001407314.1).
Identifiers: ClinVar variation 3903674 (VCV003903674.2).
Genomic context (GRCh38, chr16:23,629,715, plus strand): 5'-TTTATGCAGCTCCTGGCATGTGTTTCTACAGAGCTGATTTTCTTTAAAAGTGAATGACTC[A>G]ATGGGTGGAGGTGTTCCTGGCGGGACAGAGTCACAGTCACAGGTAGGTTGTCCTTGCCTG-3'
Protein context (NP_078951.2, residues 803-823): DSVPPGTPPP[Ile813=]ESFTFKENQL